The following is an entry in ClinVar:

NM_001191058.4(PDE1C):c.101G>A (p.Gly34Glu)

Gene: PDE1C (phosphodiesterase 1C; minus strand). Cytogenetic location: 7p14.3.
Variant type: single nucleotide variant.
Coding change: c.101G>A on transcript NM_001191058.4; coding-DNA position 101, G replaced by A.
Protein change: p.Gly34Glu; replaces glycine 34 with glutamic acid.
Molecular consequence: missense variant.
Genome position (GRCh38, 1-based): chr7:32,209,524, C>T on the plus strand (G>A on the coding strand, the complement: PDE1C is on the minus strand). VCF-style: chr7-32209524-C-T. GRCh37 (hg19) VCF-style: chr7-32249136-C-T.
Other names: c.101G>A, p.Gly34Glu (NM_001322058.2); c.326G>A, p.Gly109Glu (NM_001322059.2); short protein forms G34E, G109E.
Identifiers: ClinVar variation 4980846 (VCV004980846.1).

ClinVar aggregate classification (germline): Uncertain significance (1 of 4 stars; one submission).

Conditions:
PDE1C-related disorder. Also called: PDE1C-related condition.

gnomAD v4.1: 9 of 1,569,752 alleles (0.00057%); highest among the groups gnomAD compares: African/African-American, 0.0014%; no homozygotes.

Submission:

PreventionGenetics, part of Exact Sciences
Classification: Uncertain significance for PDE1C-related condition. Last evaluated: 2026-06-23. Review status: criteria provided, single submitter. Criteria: ACMG Guidelines, 2015. Collection method: clinical testing. Allele origin: germline.
Comment: The PDE1C c.101G>A variant is predicted to result in the amino acid substitution p.Gly34Glu. To our knowledge, this variant has not been reported in the literature. This variant is reported in 0.0% of alleles in individuals of African descent in gnomAD. At this time, the clinical significance of this variant is uncertain due to the absence of conclusive functional and genetic evidence.